The following is an entry in ClinVar:

ClinVar aggregate classification (germline): Uncertain significance. Review status: criteria provided, multiple submitters, no conflicts (2 of 4 stars). 2 submissions from 2 submitters: Uncertain significance (2). Last evaluated 2026-02-23.

Conditions:
Cardiovascular phenotype. Identifiers: MedGen CN230736.
Noonan syndrome 9 (NS9). Identifiers: Orphanet 648, MedGen C4225282, MONDO:0014691, OMIM 616559.

gnomAD v4.1: 1 of 1,567,746 alleles (0.000064%); highest among the groups gnomAD compares: Non-Finnish European, 0.000086%; no homozygotes.

Submissions (2):

Ambry Genetics
Classification: Uncertain significance for Cardiovascular phenotype. Last evaluated: 2026-02-23. Review status: criteria provided, single submitter. Criteria: Ambry Variant Classification Scheme 2023. Collection method: clinical testing. Allele origin: germline.
Comment: The c.211G>C (p.E71Q) alteration is located in exon 2 (coding exon 2) of the SOS2 gene. This alteration results from a G to C substitution at nucleotide position 211, causing the glutamic acid (E) at amino acid position 71 to be replaced by a glutamine (Q). Based on data from gnomAD, the C allele has an overall frequency of <0.001% (1/220652) total alleles studied. The highest observed frequency was 0.001% (1/105270) of European (non-Finnish) alleles. Based on insufficient or conflicting evidence, the clinical significance of this alteration remains unclear.

Labcorp Genetics (formerly Invitae), Labcorp
Classification: Uncertain significance for Noonan syndrome 9. Last evaluated: 2025-01-08. Review status: criteria provided, single submitter. Criteria: Invitae Variant Classification Sherloc (09022015). Collection method: clinical testing. Allele origin: germline.
Comment: This sequence change replaces glutamic acid, which is acidic and polar, with glutamine, which is neutral and polar, at codon 71 of the SOS2 protein (p.Glu71Gln). This variant is not present in population databases (gnomAD no frequency). This variant has not been reported in the literature in individuals affected with SOS2-related conditions. Invitae Evidence Modeling of protein sequence and biophysical properties (such as structural, functional, and spatial information, amino acid conservation, physicochemical variation, residue mobility, and thermodynamic stability) indicates that this missense variant is not expected to disrupt SOS2 protein function with a negative predictive value of 95%. In summary, the available evidence is currently insufficient to determine the role of this variant in disease. Therefore, it has been classified as a Variant of Uncertain Significance.

NM_006939.4(SOS2):c.211G>C (p.Glu71Gln)

Gene: SOS2 (SOS Ras/Rho guanine nucleotide exchange factor 2; minus strand). Cytogenetic location: 14q21.3.
Variant type: single nucleotide variant.
Coding change: c.211G>C on transcript NM_006939.4 (MANE Select); coding-DNA position 211, G replaced by C.
Protein change: p.Glu71Gln; replaces glutamic acid 71 with glutamine.
Molecular consequence: missense variant.
Genome position (GRCh38, 1-based): chr14:50,204,286, C>G on the plus strand (G>C on the coding strand, the complement: SOS2 is on the minus strand). VCF-style: chr14-50204286-C-G. GRCh37 (hg19) VCF-style: chr14-50671004-C-G.
Other names: c.211G>C, p.Glu71Gln (NM_001411020.1); c.211G>C (NM_006939.2); short protein forms E71Q.
Identifiers: ClinVar variation 3603841 (VCV003603841.3).
Genomic context (GRCh38, chr14:50,204,286, plus strand): 5'-CAAAAATTAATTCATACAGTGGTTGAGTGACTTTTTGAAATGACAAAATAATTTTTACCT[C>G]TACATCTTGAACAGTCCTTGGCTGGGCCATGCATAATTTATTAAGCAGCTGAAAAATCAG-3'
Protein context (NP_008870.2, residues 61-81): MAQPRTVQDV[Glu71Gln]ERVQKTFPHP